The following is an entry in ClinVar:

ClinVar aggregate classification (germline): Uncertain significance (1 of 4 stars; one submission).

Conditions:
Exostoses, multiple, type 2 (EXT2). Also called: Hereditary Multiple Osteochondromatosis, Type II; EXOSTOSES, MULTIPLE, TYPE II. Identifiers: Orphanet 321, MedGen C1851413, MONDO:0007586, OMIM 133701.

Submission:

Labcorp Genetics (formerly Invitae), Labcorp
Classification: Uncertain significance for Exostoses, multiple, type 2. Last evaluated: 2024-02-17. Review status: criteria provided, single submitter. Criteria: Invitae Variant Classification Sherloc (09022015). Collection method: clinical testing. Allele origin: germline.
Comment: This sequence change affects codon 157 of the EXT2 mRNA. It is a 'silent' change, meaning that it does not change the encoded amino acid sequence of the EXT2 protein. This variant is not present in population databases (gnomAD no frequency). This variant has not been reported in the literature in individuals affected with EXT2-related conditions. ClinVar contains an entry for this variant (Variation ID: 1410361). Algorithms developed to predict the effect of sequence changes on RNA splicing suggest that this variant may create or strengthen a splice site. In summary, the available evidence is currently insufficient to determine the role of this variant in disease. Therefore, it has been classified as a Variant of Uncertain Significance.

NM_207122.2(EXT2):c.471C>A (p.Ile157=)

Gene: EXT2 (exostosin glycosyltransferase 2; plus strand). Cytogenetic location: 11p11.2.
Variant type: single nucleotide variant.
Coding change: c.471C>A on transcript NM_207122.2 (MANE Select); coding-DNA position 471, C replaced by A.
Protein change: p.Ile157=; no amino-acid change (isoleucine 157 retained).
Molecular consequence: synonymous variant.
Genome position (GRCh38, 1-based): chr11:44,108,183, C>A. VCF-style: chr11-44108183-C-A. GRCh37 (hg19) VCF-style: chr11-44129733-C-A.
Other names: c.570C>A, p.Ile190= (NM_000401.3); c.471C>A, p.Ile157= (NM_001178083.3, NM_001389628.1, NM_001389630.1).
Identifiers: ClinVar variation 1410361 (VCV001410361.6), dbSNP rs747429885, ClinGen allele CA474035319.
Genomic context (GRCh38, chr11:44,108,183, plus strand): 5'-CTCAGACAGTGACTACTACACTGATGACATCAACCGGGCCTGTCTGTTTGTTCCCTCCAT[C>A]GATGTGCTTAACCAGAACACACTGCGCATCAAGGAGACAGCACAAGCGATGGCCCAGCTC-3'
Protein context (NP_997005.1, residues 147-167): INRACLFVPS[Ile157=]DVLNQNTLRI